The following is an entry in ClinVar:

ClinVar aggregate classification (germline): Conflicting classifications of pathogenicity. Review status: criteria provided, conflicting classifications (1 of 4 stars). 5 submissions from 5 submitters: Uncertain significance (1); Likely benign (3). 1 of the submissions does not count toward it. Last evaluated 2025-12-11.

Conditions:
SYNE1-related disorder. Also called: SYNE1-related disease; SYNE1-related condition; SYNE1-related disorders.
Autosomal recessive ataxia, Beauce type. Also called: Spinocerebellar ataxia, autosomal recessive 8; ATAXIA, RECESSIVE, OF BEAUCE; SYNE1-Related Autosomal Recessive Cerebellar Ataxia; SYNE1 Deficiency. Identifiers: Orphanet 88644, MedGen C1853116, MONDO:0012549, OMIM 610743.
Emery-Dreifuss muscular dystrophy 4, autosomal dominant (EDMD4). Also called: EMERY-DREIFUSS MUSCULAR DYSTROPHY 4 WITH VARIABLE FEATURES. Identifiers: Orphanet 261, MedGen C2751807, MONDO:0013071, OMIM 612998.

Allele frequency attached by ClinVar (database versions not stated): gnomAD exomes 0.00012 and 0.00028; ExAC 0.00035; 1000 Genomes Project 0.00060; 1000 Genomes Project 30x 0.00078; gnomAD 0.00120 and 0.00128; TOPMed 0.00145; ESP Exome Variant Server 0.00177.

Submissions (5):

Labcorp Genetics (formerly Invitae), Labcorp
Classification: Likely benign for Emery-Dreifuss muscular dystrophy 4, autosomal dominant; Autosomal recessive ataxia, Beauce type. Last evaluated: 2025-12-11. Review status: criteria provided, single submitter. Criteria: Invitae Variant Classification Sherloc (09022015). Collection method: clinical testing. Allele origin: germline.

Athena Diagnostics
Classification: Likely benign. Last evaluated: 2025-09-17. Review status: criteria provided, single submitter. Criteria: Athena Diagnostics Criteria. Collection method: clinical testing. Allele origin: unknown.
Comment: The frequency of this variant in the general population is higher than would generally be expected for pathogenic variants in this gene.

GeneDx
Classification: Uncertain significance. Last evaluated: 2025-05-06. Review status: criteria provided, single submitter. Criteria: GeneDx Variant Classification Process June 2021. Collection method: clinical testing. Allele origin: germline. Affected: yes.
Comment: In silico analysis supports that this missense variant has a deleterious effect on protein structure/function; This variant is associated with the following publications: (PMID: 26110843, 30380422, 25759019, 24123366)

Eurofins Ntd Llc (ga)
Classification: Likely benign. Last evaluated: 2015-12-09. Review status: criteria provided, single submitter. Criteria: EGL Classification Definitions 2015. Collection method: clinical testing. Allele origin: germline. Observed: 5 variant alleles, 5 heterozygotes.

PreventionGenetics, part of Exact Sciences
Classification: Likely benign for SYNE1-related condition. Last evaluated: 2023-05-23. Review status: no assertion criteria provided. Collection method: clinical testing. Allele origin: germline. Not counted in ClinVar's aggregate classification.
Comment: This variant is classified as likely benign based on ACMG/AMP sequence variant interpretation guidelines (Richards et al. 2015 PMID: 25741868, with internal and published modifications).

Literature cited by the submitters: PubMed 30380422 (cited by Athena Diagnostics); PubMed 24123366 (cited by Athena Diagnostics); PubMed 23675308 (cited by Athena Diagnostics); PubMed 26110843 (cited by Athena Diagnostics); PubMed 25759019 (cited by Athena Diagnostics); PubMed 24951259 (cited by Athena Diagnostics).

NM_182961.4(SYNE1):c.14221C>T (p.Arg4741Cys)

Gene: SYNE1 (spectrin repeat containing nuclear envelope protein 1; minus strand). Cytogenetic location: 6q25.2.
Variant type: single nucleotide variant.
Coding change: c.14221C>T on transcript NM_182961.4 (MANE Select); coding-DNA position 14221, C replaced by T.
Protein change: p.Arg4741Cys; replaces arginine 4741 with cysteine.
Molecular consequence: missense variant.
Genome position (GRCh38, 1-based): chr6:152,330,464, G>A on the plus strand (C>T on the coding strand, the complement: SYNE1 is on the minus strand). VCF-style: chr6-152330464-G-A. GRCh37 (hg19) VCF-style: chr6-152651599-G-A.
Other names: c.14008C>T, p.Arg4670Cys (NM_033071.5); short protein forms R4670C, R4741C.
Identifiers: ClinVar variation 282314 (VCV000282314.26), dbSNP rs150062167, ClinGen allele CA4056044.